The following is an entry in ClinVar:

ClinVar aggregate classification (germline): Conflicting classifications of pathogenicity. Review status: criteria provided, conflicting classifications (1 of 4 stars). 4 submissions from 4 submitters: Uncertain significance (3); Likely benign (1). Last evaluated 2025-04-09.

Conditions:
Hypertrophic cardiomyopathy 9. Also called: Familial hypertrophic cardiomyopathy 9. Identifiers: MedGen C1861065, MONDO:0013412, OMIM 613765.
Autosomal recessive limb-girdle muscular dystrophy type 2J (LGMDR10). Also called: Limb-girdle muscular dystrophy, type 2J; MUSCULAR DYSTROPHY, LIMB-GIRDLE, AUTOSOMAL RECESSIVE 10. Identifiers: Orphanet 140922, MedGen C1837342, MONDO:0012127, OMIM 608807.
Dilated cardiomyopathy 1G (CMD1G). Identifiers: Orphanet 154, MedGen C1858763, MONDO:0011400, OMIM 604145.
Tibial muscular dystrophy (TMD). Also called: Tibial muscular dystrophy, tardive; Udd Distal Myopathy – Tibial Muscular Dystrophy; UDD MYOPATHY. Identifiers: Orphanet 609, MedGen C1838244, MONDO:0010870, OMIM 600334.
Myopathy, myofibrillar, 9, with early respiratory failure (MFM9). Also called: Hereditary myopathy with early respiratory failure; Myopathy, distal, with early respiratory failure, autosomal dominant; EDSTROM MYOPATHY; MYOPATHY, PROXIMAL, WITH EARLY RESPIRATORY MUSCLE INVOLVEMENT. Identifiers: Orphanet 178464, Orphanet 34521, MedGen C1863599, MONDO:0011362, OMIM 603689.
Early-onset myopathy with fatal cardiomyopathy (CMYO5). Also called: Salih Myopathy; CONGENITAL MYOPATHY 5 WITH CARDIOMYOPATHY. Identifiers: Orphanet 289377, MedGen C2673677, MONDO:0012714, OMIM 611705. Disease mechanism: loss of function.

Allele frequency attached by ClinVar (database versions not stated): gnomAD exomes below 0.00001.
gnomAD v4.1: 1 of 1,613,732 alleles (0.000062%); highest among the groups gnomAD compares: African/African-American, 0.0013%; no homozygotes.

Submissions (4):

Molecular Diagnostic Laboratory for Inherited Cardiovascular Disease, Montreal Heart Institute
Classification: Likely benign. Last evaluated: 2025-04-09. Review status: criteria provided, single submitter. Criteria: ACMG Guidelines, 2015. Collection method: clinical testing. Allele origin: germline. Affected: no.
Comment: BP1

Fulgent Genetics
Classification: Uncertain significance for Tibial muscular dystrophy; Myopathy, myofibrillar, 9, with early respiratory failure; Dilated cardiomyopathy 1G; Autosomal recessive limb-girdle muscular dystrophy type 2J; Early-onset myopathy with fatal cardiomyopathy; Hypertrophic cardiomyopathy 9. Last evaluated: 2021-10-06. Review status: criteria provided, single submitter. Criteria: ACMG Guidelines, 2015. Collection method: clinical testing. Allele origin: unknown.

Revvity Omics, Revvity
Classification: Uncertain significance. Last evaluated: 2019-04-25. Review status: criteria provided, single submitter. Criteria: ACMG Guidelines, 2015. Collection method: clinical testing. Allele origin: germline.

Eurofins Ntd Llc (ga)
Classification: Uncertain significance. Last evaluated: 2018-07-10. Review status: criteria provided, single submitter. Criteria: EGL ClinVar v180209 classification definitions. Collection method: clinical testing. Allele origin: germline. Observed: 1 variant allele, 1 heterozygote.

NM_001267550.2(TTN):c.90715G>A (p.Ala30239Thr)

Genes: TTN (titin; minus strand), TTN-AS1 (TTN antisense RNA 1; plus strand). Cytogenetic location: 2q31.2.
Variant type: single nucleotide variant.
Coding change: c.90715G>A on transcript NM_001267550.2 (MANE Select); coding-DNA position 90715, G replaced by A.
Protein change: p.Ala30239Thr; replaces alanine 30239 with threonine.
Molecular consequence: missense variant.
Genome position (GRCh38, 1-based): chr2:178,552,185, C>T on the plus strand (G>A on the coding strand, the complement: TTN is on the minus strand). VCF-style: chr2-178552185-C-T. GRCh37 (hg19) VCF-style: chr2-179416912-C-T.
Other names: c.85792G>A, p.Ala28598Thr (NM_001256850.1); c.63520G>A, p.Ala21174Thr (NM_003319.4); c.83011G>A, p.Ala27671Thr (NM_133378.4); c.63895G>A, p.Ala21299Thr (NM_133432.3); c.64096G>A, p.Ala21366Thr (NM_133437.4); short protein forms A30239T, A27671T, A21299T, A21366T, A28598T, A21174T.
Identifiers: ClinVar variation 597967 (VCV000597967.10), dbSNP rs879126335, ClinGen allele CA60977515.